The following is an entry in ClinVar:

NM_172107.4(KCNQ2):c.1934T>C (p.Met645Thr)

Gene: KCNQ2 (potassium voltage-gated channel subfamily Q member 2; minus strand). Cytogenetic location: 20q13.33.
Variant type: single nucleotide variant.
Coding change: c.1934T>C on transcript NM_172107.4 (MANE Select); coding-DNA position 1934, T replaced by C.
Protein change: p.Met645Thr; replaces methionine 645 with threonine.
Molecular consequence: missense variant.
Genome position (GRCh38, 1-based): chr20:63,407,329, A>G on the plus strand (T>C on the coding strand, the complement: KCNQ2 is on the minus strand). VCF-style: chr20-63407329-A-G. GRCh37 (hg19) VCF-style: chr20-62038682-A-G.
Other names: c.1988T>C, p.Met663Thr (NM_001382235.1); c.1850T>C, p.Met617Thr (NM_004518.6); c.1880T>C, p.Met627Thr (NM_172106.3); c.1841T>C, p.Met614Thr (NM_172108.5); short protein forms M614T, M617T, M627T, M645T, M663T.
Identifiers: ClinVar variation 3368378 (VCV003368378.4).
Genomic context (GRCh38, chr20:63,407,329, plus strand): 5'-TCCGGCTCTTTGGCCCCAAAGTAGGCCTCGGTCTCTGTCGGGGGGATGCCCATCCGCTGC[A>G]TGTAGATATTCACCAGGAAGTCCAGCTTCTTCTCCATGGACAAGACCTGCAAAAGGGGCT-3'
Protein context (NP_742105.1, residues 635-655): KKLDFLVNIY[Met645Thr]QRMGIPPTET

ClinVar aggregate classification (germline): Uncertain significance. Review status: criteria provided, multiple submitters, no conflicts (2 of 4 stars). 2 submissions from 2 submitters: Uncertain significance (2). Last evaluated 2025-12-31.

Conditions:
Early-infantile DEE. Also called: Early infantile epileptic encephalopathy with suppression bursts; Early infantile epileptic encephalopathy; Ohtahara syndrome. Identifiers: Orphanet 1934, MedGen C0393706, MONDO:0800491.

gnomAD v4.1: 1 of 1,597,520 alleles (0.000063%); highest among the groups gnomAD compares: Admixed American, 0.0017%; no homozygotes.

Submissions (2):

GeneDx
Classification: Uncertain significance. Last evaluated: 2025-12-31. Review status: criteria provided, single submitter. Criteria: GeneDx Variant Classification Process June 2021. Collection method: clinical testing. Allele origin: germline.
Comment: In silico analysis suggests that this missense variant does not alter protein structure/function; Has not been previously published as pathogenic or benign to our knowledge; This substitution is predicted to be within the C-terminal cytoplasmic domain

Labcorp Genetics (formerly Invitae), Labcorp
Classification: Uncertain significance for Early-infantile DEE. Last evaluated: 2024-11-27. Review status: criteria provided, single submitter. Criteria: Invitae Variant Classification Sherloc (09022015). Collection method: clinical testing. Allele origin: germline.
Comment: This sequence change replaces methionine, which is neutral and non-polar, with threonine, which is neutral and polar, at codon 645 of the KCNQ2 protein (p.Met645Thr). This variant is present in population databases (no rsID available, gnomAD 0.003%). This variant has not been reported in the literature in individuals affected with KCNQ2-related conditions. An algorithm developed to predict the effect of missense changes on protein structure and function outputs the following: PolyPhen-2: "Benign". The threonine amino acid residue is found in multiple mammalian species, which suggests that this missense change does not adversely affect protein function. In summary, the available evidence is currently insufficient to determine the role of this variant in disease. Therefore, it has been classified as a Variant of Uncertain Significance.